The following is an entry in ClinVar:

NM_001363540.2(DOCK4):c.1603A>G (p.Asn535Asp)

Gene: DOCK4 (dedicator of cytokinesis 4; minus strand). Cytogenetic location: 7q31.1.
Variant type: single nucleotide variant.
Coding change: c.1603A>G on transcript NM_001363540.2 (MANE Select); coding-DNA position 1603, A replaced by G.
Protein change: p.Asn535Asp; replaces asparagine 535 with aspartic acid.
Molecular consequence: missense variant.
Genome position (GRCh38, 1-based): chr7:111,877,171, T>C on the plus strand (A>G on the coding strand, the complement: DOCK4 is on the minus strand). VCF-style: chr7-111877171-T-C. GRCh37 (hg19) VCF-style: chr7-111517227-T-C.
Other names: c.1603A>G, p.Asn535Asp (NM_014705.4); short protein forms N535D.
Identifiers: ClinVar variation 771728 (VCV000771728.14), dbSNP rs12705801, ClinGen allele CA4442364.

ClinVar aggregate classification (germline): Likely benign. Review status: criteria provided, multiple submitters, no conflicts (2 of 4 stars). 3 submissions from 3 submitters: Likely benign (3). Last evaluated 2026-06-01.

Allele frequency attached by ClinVar (database versions not stated): 1000 Genomes Project 0.00100; 1000 Genomes Project 30x 0.00109; TOPMed 0.00267; gnomAD 0.00288 and 0.00300; ESP Exome Variant Server 0.00341; gnomAD exomes 0.00370; ExAC 0.00551.
gnomAD v4.1: 5,296 of 1,522,822 alleles (0.35%); highest among the groups gnomAD compares: Non-Finnish European, 0.4%; 13 homozygotes.

Submissions (3):

CeGaT Center for Human Genetics Tuebingen
Classification: Likely benign. Last evaluated: 2026-06-01. Review status: criteria provided, single submitter. Criteria: CeGaT Center For Human Genetics Tuebingen Variant Classification Criteria Version 2. Collection method: clinical testing. Allele origin: germline. Affected: yes. Observed: 8 variant alleles.
Comment: DOCK4: BS2

Labcorp Genetics (formerly Invitae), Labcorp
Classification: Likely benign. Last evaluated: 2018-11-20. Review status: criteria provided, single submitter. Criteria: Invitae Variant Classification Sherloc (09022015). Collection method: clinical testing. Allele origin: germline.

Breakthrough Genomics
Classification: Likely benign. Review status: criteria provided, single submitter. Criteria: ACMG Guidelines, 2015. Collection method: not provided. Allele origin: germline. Inheritance: Unknown mechanism. Affected: yes.